The following is an entry in ClinVar:

ClinVar aggregate classification (germline): Conflicting classifications of pathogenicity. Review status: criteria provided, conflicting classifications (1 of 4 stars). 6 submissions from 6 submitters: Likely pathogenic (1); Uncertain significance (4). 1 of the submissions does not count toward it. Last evaluated 2024-04-20.

Conditions:
Wilson disease (WND). Also called: Wilson's disease. Identifiers: Orphanet 905, MedGen C0019202, MONDO:0010200, OMIM 277900. Disease mechanism: loss of function.

Allele frequency attached by ClinVar (database versions not stated): gnomAD exomes below 0.00001; TOPMed below 0.00001; ExAC 0.00001.
gnomAD v4.1: 3 of 1,614,158 alleles (0.00019%); highest among the groups gnomAD compares: Admixed American, 0.0017%; no homozygotes.

Submissions (6):

Labcorp Genetics (formerly Invitae), Labcorp
Classification: Likely pathogenic for Wilson disease. Last evaluated: 2024-04-20. Review status: criteria provided, single submitter. Criteria: Invitae Variant Classification Sherloc (09022015). Collection method: clinical testing. Allele origin: germline.
Comment: This sequence change replaces aspartic acid, which is acidic and polar, with glycine, which is neutral and non-polar, at codon 853 of the ATP7B protein (p.Asp853Gly). This variant is present in population databases (rs752634617, gnomAD 0.003%). This missense change has been observed in individual(s) with Wilson disease (PMID: 30232804; Invitae). ClinVar contains an entry for this variant (Variation ID: 928976). Advanced modeling of protein sequence and biophysical properties (such as structural, functional, and spatial information, amino acid conservation, physicochemical variation, residue mobility, and thermodynamic stability) has been performed at Invitae for this missense variant, however the output from this modeling did not meet the statistical confidence thresholds required to predict the impact of this variant on ATP7B protein function. Algorithms developed to predict the effect of sequence changes on RNA splicing suggest that this variant may disrupt the consensus splice site. In summary, the currently available evidence indicates that the variant is pathogenic, but additional data are needed to prove that conclusively. Therefore, this variant has been classified as Likely Pathogenic.

Mayo Clinic Laboratories, Mayo Clinic
Classification: Uncertain significance. Last evaluated: 2023-12-26. Review status: criteria provided, single submitter. Criteria: ACMG Guidelines, 2015. Collection method: clinical testing. Allele origin: germline. Observed: 2 variant alleles.
Comment: PP3, PP4, PM2_moderate

ARUP Laboratories, Molecular Genetics and Genomics, ARUP Laboratories
Classification: Uncertain significance for Wilson disease. Last evaluated: 2023-08-04. Review status: criteria provided, single submitter. Criteria: ARUP Molecular Germline Variant Investigation Process 2024. Collection method: clinical testing. Allele origin: germline.
Comment: The ATP7B c.2558A>G; p.Asp853Gly variant (rs752634617) is reported in an individual with Wilson disease who carried a second variant in ATP7B (Ferenci 2019). This variant is also reported in ClinVar (Variation ID: 928976). It is only found on one allele in the Genome Aggregation Database, indicating it is not a common polymorphism. Computational analyses predict that this variant is deleterious (REVEL: 0.94), and splicing algorithms suggest this variant may alter splicing by creating a novel cryptic donor splice site (Alamut Visual Plus v.1.5.1). However, due to limited clinical and functional data, the clinical significance of this variant is uncertain at this time. References: Ferenci P et al. Age and Sex but Not ATP7B Genotype Effectively Influence the Clinical Phenotype of Wilson Disease. Hepatology. 2019 Apr;69(4):1464-1476. PMID: 30232804.

Genome-Nilou Lab
Classification: Uncertain significance for Wilson disease. Last evaluated: 2021-09-05. Review status: criteria provided, single submitter. Criteria: ACMG Guidelines, 2015. Collection method: clinical testing. Allele origin: germline. Affected: no.

Women's Health and Genetics/Laboratory Corporation of America, LabCorp
Classification: Uncertain significance. Last evaluated: 2019-11-29. Review status: criteria provided, single submitter. Criteria: LabCorp Variant Classification Summary - May 2015. Collection method: clinical testing. Allele origin: germline.
Comment: Variant summary: ATP7B c.2558A>G (p.Asp853Gly) results in a non-conservative amino acid change in the encoded protein sequence. Five of five in-silico tools predict a damaging effect of the variant on protein function. The variant allele was found at a frequency of 4e-06 in 249542 control chromosomes (gnomAD). The available data on variant occurrences in the general population are insufficient to allow any conclusion about variant significance. c.2558A>G has been reported in the literature in an individual affected with Wilson Disease (Ferenci_2019). This report does not provide unequivocal conclusions about association of the variant with Wilson Disease. To our knowledge, no experimental evidence demonstrating an impact on protein function has been reported. No clinical diagnostic laboratories have submitted clinical-significance assessments for this variant to ClinVar after 2014. Based on the evidence outlined above, the variant was classified as uncertain significance.

Natera, Inc.
Classification: Uncertain significance for Wilson disease. Last evaluated: 2020-10-15. Review status: no assertion criteria provided. Collection method: clinical testing. Allele origin: germline. Not counted in ClinVar's aggregate classification.

Literature cited by the submitters: PubMed 30232804 (cited by 3 submitters); PubMed 29945887 (cited by Mayo Clinic Laboratories, Mayo Clinic).

NM_000053.4(ATP7B):c.2558A>G (p.Asp853Gly)

Gene: ATP7B (ATPase copper transporting beta; minus strand). Cytogenetic location: 13q14.3.
Variant type: single nucleotide variant.
Coding change: c.2558A>G on transcript NM_000053.4 (MANE Select); coding-DNA position 2558, A replaced by G.
Protein change: p.Asp853Gly; replaces aspartic acid 853 with glycine.
Molecular consequence: missense variant.
Genome position (GRCh38, 1-based): chr13:51,950,289, T>C on the plus strand (A>G on the coding strand, the complement: ATP7B is on the minus strand). VCF-style: chr13-51950289-T-C. GRCh37 (hg19) VCF-style: chr13-52524425-T-C.
Other names: p.Asp853Gly; c.2072A>G, p.Asp691Gly (NM_001005918.3); c.2225A>G, p.Asp742Gly (NM_001243182.2); c.2324A>G, p.Asp775Gly (NM_001330578.2); c.2306A>G, p.Asp769Gly (NM_001330579.2); short protein forms D691G, D742G, D769G, D775G, D853G.
Identifiers: ClinVar variation 928976 (VCV000928976.23), dbSNP rs752634617, ClinGen allele CA6988977.